The following is an entry in ClinVar:

NM_001009944.3(PKD1):c.11633_11660del (p.Arg3878fs)

Genes: PKD1 (polycystin 1, transient receptor potential channel interacting; minus strand), PKD1-AS1 (PKD1 antisense RNA 1; plus strand). Cytogenetic location: 16p13.3.
Variant type: Deletion.
Coding change: c.11633_11660del on transcript NM_001009944.3 (MANE Select); coding-DNA positions 11633 to 11660, 28 bases deleted (GCGCCCTGGCCGCCCTCAGCGTCCGCCC).
Protein change: p.Arg3878fs; shifts the reading frame from arginine 3878.
Molecular consequence: frameshift variant. On other transcripts: non-coding transcript variant (1).
Genome position (GRCh38, 1-based): chr16:2,091,475-2,091,502, GGGCGGACGCTGAGGGCGGCCAGGGCGC deleted on the plus strand (GCGCCCTGGCCGCCCTCAGCGTCCGCCC on the coding strand, the reverse complement: PKD1 is on the minus strand); deleting any 28 consecutive bases within chr16:2,091,475-2,091,504 gives the same sequence; the c. name uses the placement nearest the transcript's 3' end. VCF-style (leftmost placement, unchanged base first): chr16-2091474-GGGGCGGACGCTGAGGGCGGCCAGGGCGC-G. GRCh37 (hg19) VCF-style: chr16-2141475-GGGGCGGACGCTGAGGGCGGCCAGGGCGC-G.
Other names: c.11630_11657del, p.Arg3877fs (NM_000296.4); short protein forms R3877fs, R3878fs.
Identifiers: ClinVar variation 5038071 (VCV005038071.1).

ClinVar aggregate classification (germline): Pathogenic (1 of 4 stars; one submission).

Conditions:
Polycystic kidney disease, adult type (PKD1). Also called: Polycystic Kidney Disease 1, Autosomal Dominant; POLYCYSTIC KIDNEY DISEASE, ADULT, TYPE I; Polycystic kidney disease 1; Polycystic kidney disease 1, severe; POLYCYSTIC KIDNEY DISEASE 1 WITH OR WITHOUT POLYCYSTIC LIVER DISEASE; Polycystic Kidney, Autosomal Dominant. Identifiers: MedGen C3149841, MONDO:0008263, OMIM 173900.

Submission:

MVZ Medizinische Genetik Mainz
Classification: Pathogenic for Polycystic kidney disease, adult type. Last evaluated: 2026-05-07. Review status: criteria provided, single submitter. Criteria: UK Practice Guidelines For Variant Classification V4 01 2020. Collection method: clinical testing. Allele origin: germline. Inheritance: Autosomal dominant inheritance. Affected: yes. Observed: 1 variant allele.
Comment: ACMG Criteria: PVS1,PM2_SUP,PP4